The following is an entry in ClinVar:

ClinVar aggregate classification (germline): Conflicting classifications of pathogenicity. Review status: criteria provided, conflicting classifications (1 of 4 stars). 5 submissions from 5 submitters: Pathogenic (1); Likely pathogenic (3); Uncertain significance (1). Last evaluated 2025-09-25.

Conditions:
Hereditary cancer-predisposing syndrome. Also called: Tumor predisposition; Hereditary Cancer Syndrome; Neoplastic Syndromes, Hereditary; Hereditary neoplastic syndrome. Identifiers: Orphanet 140162, MedGen C0027672, MeSH D009386, MONDO:0015356.
Breast-ovarian cancer, familial, susceptibility to, 3. Also called: RAD51C-Related Breast/Ovarian Cancer. Identifiers: Orphanet 145, MedGen C3150659, MONDO:0013253, OMIM 613399.
Fanconi anemia complementation group O. Also called: RAD51C-Related Fanconi Anemia. Identifiers: Orphanet 84, MedGen C3150653, MONDO:0013248, OMIM 613390.

Submissions (5):

Ambry Genetics
Classification: Likely pathogenic for Hereditary cancer-predisposing syndrome. Last evaluated: 2025-09-25. Review status: criteria provided, single submitter. Criteria: Ambry Variant Classification Scheme 2023. Collection method: clinical testing. Allele origin: germline.
Comment: The c.837+4_837+7delAGTA intronic variant begins 4 nucleotides after coding exon 5 in the RAD51C gene. This variant results from a deletion of 4 nucleotides at positions c.837+4 to c.837+7. In silico splice site analysis predicts that this alteration will weaken the native splice donor site. RNA studies have demonstrated that this alteration results in abnormal splicing in the set of samples tested (Ambry internal data). This variant is considered to be rare based on population cohorts in the Genome Aggregation Database (gnomAD). Based on the majority of available evidence to date, this variant is likely to be pathogenic.

Labcorp Genetics (formerly Invitae), Labcorp
Classification: Pathogenic for Fanconi anemia complementation group O. Last evaluated: 2025-06-15. Review status: criteria provided, single submitter. Criteria: Invitae Variant Classification Sherloc (09022015). Collection method: clinical testing. Allele origin: germline.
Comment: This sequence change falls in intron 5 of the RAD51C gene. It does not directly change the encoded amino acid sequence of the RAD51C protein. RNA analysis indicates that this variant induces altered splicing and likely results in a shortened protein product. This variant is not present in population databases (gnomAD no frequency). This variant has been observed in individual(s) with breast cancer (PMID: 26681312). ClinVar contains an entry for this variant (Variation ID: 128212). Variants that disrupt the consensus splice site are a relatively common cause of aberrant splicing (PMID: 17576681, 9536098). Studies have shown that this variant results in skipping of exon 5, but is expected to preserve the integrity of the reading-frame (PMID: 35740625; internal data). This variant disrupts a region of the RAD51C protein in which other variant(s) (p.Arg258His) have been determined to be pathogenic (PMID: 20400963, 22167183, 25154786, 26354865, 26740214, 32054657, 32242007). This suggests that this is a clinically significant region of the protein, and that variants that disrupt it are likely to be disease-causing. For these reasons, this variant has been classified as Pathogenic.

Color Diagnostics, LLC DBA Color Health
Classification: Uncertain significance for Hereditary cancer-predisposing syndrome. Last evaluated: 2025-04-30. Review status: criteria provided, single submitter. Criteria: ACMG Guidelines, 2015. Collection method: clinical testing. Allele origin: germline.
Comment: This variant causes a deletion of 4 nucleotides (c.837+4_837+7del) in intron 5 splice donor site of the RAD51C gene. Splice site prediction tools predict that this variant may have a significant impact on RNA splicing. A mini-gene splicing assay has shown that this variant results in in-frame skipping of exon 5 (PMID: 35740625).\\ This variant has not been reported in individuals affected with ovarian cancer but has been reported in an individual affected with breast cancer (PMID: 26681312). This variant has not been identified in the general population by the Genome Aggregation Database (gnomAD). Although there is a suspicion that this variant may be associated with disease, the available functional and clinical evidence is insufficient to determine the role of this variant in disease conclusively. Therefore, this variant is classified as a Variant of Uncertain Significance.

Myriad Genetics, Inc.
Classification: Likely pathogenic for Breast-ovarian cancer, familial, susceptibility to, 3. Last evaluated: 2024-12-13. Review status: criteria provided, single submitter. Criteria: Myriad Autosomal Dominant, Autosomal Recessive and X-Linked Classification Criteria (2023). Collection method: clinical testing. Allele origin: unknown.
Comment: This variant is considered likely pathogenic. Functional studies indicate this variant impacts protein function [PMID: 35740625, 39299233].

GeneDx
Classification: Likely pathogenic. Last evaluated: 2019-12-09. Review status: criteria provided, single submitter. Criteria: GeneDx Variant Classification Process June 2021. Collection method: clinical testing. Allele origin: germline. Affected: yes.
Comment: Not observed in large population cohorts (Lek et al., 2016); This variant is associated with the following publications: (PMID: 26681312)

Literature cited by the submitters: PubMed 26681312 (cited by 3 submitters); PubMed 17576681 (cited by Labcorp Genetics (formerly Invitae), Labcorp); PubMed 9536098 (cited by Labcorp Genetics (formerly Invitae), Labcorp); PubMed 35740625 (cited by 3 submitters); PubMed 20400963 (cited by Labcorp Genetics (formerly Invitae), Labcorp); PubMed 22167183 (cited by Labcorp Genetics (formerly Invitae), Labcorp); PubMed 25154786 (cited by Labcorp Genetics (formerly Invitae), Labcorp); PubMed 26354865 (cited by Labcorp Genetics (formerly Invitae), Labcorp); PubMed 26740214 (cited by Labcorp Genetics (formerly Invitae), Labcorp); PubMed 32054657 (cited by Labcorp Genetics (formerly Invitae), Labcorp); PubMed 32242007 (cited by Labcorp Genetics (formerly Invitae), Labcorp); PubMed 39299233 (cited by Myriad Genetics, Inc.).

NM_058216.3(RAD51C):c.837+4_837+7del

Gene: RAD51C (RAD51 paralog C; plus strand). Cytogenetic location: 17q22.
Variant type: Deletion.
Coding change: c.837+4_837+7del on transcript NM_058216.3 (MANE Select); bases 4 to 7 of the intron after coding-DNA position 837, 4 bases deleted (AGTA; older notation c.837+4_837+7delAGTA).
Molecular consequence: splice donor variant.
Genome position (GRCh38, 1-based): chr17:58,709,994-58,709,997, AGTA deleted; deleting any 4 consecutive bases within chr17:58,709,991-58,709,997 gives the same sequence; the c. name uses the placement nearest the transcript's 3' end. VCF-style (leftmost placement, unchanged base first): chr17-58709990-TGTAA-T. GRCh37 (hg19) VCF-style: chr17-56787351-TGTAA-T.
Other names: c.837+4_837+7del (LRG_314t1); c.837+4_837+7delAGTA (NM_058216.2, NM_058216.1).
Identifiers: ClinVar variation 128212 (VCV000128212.19), dbSNP rs727503760, ClinGen allele CA288629.